The following is an entry in ClinVar:

ClinVar aggregate classification (germline): Uncertain significance. Review status: criteria provided, multiple submitters, no conflicts (2 of 4 stars). 2 submissions from 2 submitters: Uncertain significance (2). Last evaluated 2026-03-23.

Conditions:
LRRC45-related disorder. Also called: LRRC45-related condition.

Submissions (2):

PreventionGenetics, part of Exact Sciences
Classification: Uncertain significance for LRRC45-related condition. Last evaluated: 2026-03-23. Review status: criteria provided, single submitter. Criteria: ACMG Guidelines, 2015. Collection method: clinical testing. Allele origin: germline.
Comment: The LRRC45 c.1532T>G variant is predicted to result in the amino acid substitution p.Leu511Arg. To our knowledge, this variant has not been reported in the literature or in a large population database (gnomAD), indicating this variant is rare. At this time, the clinical significance of this variant is uncertain due to the absence of conclusive functional and genetic evidence.

Ambry Genetics
Classification: Uncertain significance. Last evaluated: 2025-12-03. Review status: criteria provided, single submitter. Criteria: Ambry Variant Classification Scheme 2023. Collection method: clinical testing. Allele origin: germline.

NM_144999.4(LRRC45):c.1532T>G (p.Leu511Arg)

Gene: LRRC45 (leucine rich repeat containing 45; plus strand). Cytogenetic location: 17q25.3.
Variant type: single nucleotide variant.
Coding change: c.1532T>G on transcript NM_144999.4 (MANE Select); coding-DNA position 1532, T replaced by G.
Protein change: p.Leu511Arg; replaces leucine 511 with arginine.
Molecular consequence: missense variant.
Genome position (GRCh38, 1-based): chr17:82,030,102, T>G. VCF-style: chr17-82030102-T-G. GRCh37 (hg19) VCF-style: chr17-79987978-T-G.
Other names: c.1532T>G (NM_144999.3); short protein forms L511R.
Identifiers: ClinVar variation 4547887 (VCV004547887.2).